The following is an entry in ClinVar:

ClinVar aggregate classification (germline): Pathogenic/Likely pathogenic. Review status: criteria provided, multiple submitters, no conflicts (2 of 4 stars). 2 submissions from 2 submitters: Pathogenic (1); Likely pathogenic (1). Last evaluated 2024-06-18.

Conditions:
Alkaptonuria (AKU). Also called: Homogentisic acidura; Alkaptonuric ochronosis; Alcaptonuria; HOMOGENTISIC ACID OXIDASE DEFICIENCY. Identifiers: Orphanet 56, MedGen C0002066, MONDO:0008753, OMIM 203500.

Allele frequency attached by ClinVar (database versions not stated): gnomAD exomes below 0.00001.
gnomAD v4.1: 1 of 1,613,588 alleles (0.000062%); highest among the groups gnomAD compares: East Asian, 0.0022%; no homozygotes.

Submissions (2):

Fulgent Genetics
Classification: Likely pathogenic for Alkaptonuria. Last evaluated: 2024-06-18. Review status: criteria provided, single submitter. Criteria: ACMG Guidelines, 2015. Collection method: clinical testing. Allele origin: germline.

Labcorp Genetics (formerly Invitae), Labcorp
Classification: Pathogenic for Alkaptonuria. Last evaluated: 2020-02-13. Review status: criteria provided, single submitter. Criteria: Invitae Variant Classification Sherloc (09022015). Collection method: clinical testing. Allele origin: germline.
Comment: For these reasons, this variant has been classified as Pathogenic. This sequence change creates a premature translational stop signal (p.Glu195*) in the HGD gene. It is expected to result in an absent or disrupted protein product. Loss-of-function variants in HGD are known to be pathogenic (PMID: 12501223, 19862842). This variant has not been reported in the literature in individuals with HGD-related conditions. This variant is not present in population databases (ExAC no frequency).

Literature cited by the submitters: PubMed 12501223 (cited by Labcorp Genetics (formerly Invitae), Labcorp); PubMed 19862842 (cited by Labcorp Genetics (formerly Invitae), Labcorp).

NM_000187.4(HGD):c.583G>T (p.Glu195Ter)

Gene: HGD (homogentisate 1,2-dioxygenase; minus strand). Cytogenetic location: 3q13.33.
Variant type: single nucleotide variant.
Coding change: c.583G>T on transcript NM_000187.4 (MANE Select); coding-DNA position 583, G replaced by T.
Protein change: p.Glu195Ter; replaces glutamic acid 195 with a stop codon.
Molecular consequence: nonsense.
Genome position (GRCh38, 1-based): chr3:120,646,333, C>A on the plus strand (G>T on the coding strand, the complement: HGD is on the minus strand). VCF-style: chr3-120646333-C-A. GRCh37 (hg19) VCF-style: chr3-120365180-C-A.
Other names: short protein forms E195*.
Identifiers: ClinVar variation 1075956 (VCV001075956.8), dbSNP rs1184695718, ClinGen allele CA354076711.